The following is an entry in ClinVar:

ClinVar aggregate classification (germline): Uncertain significance. Review status: criteria provided, multiple submitters, no conflicts (2 of 4 stars). 2 submissions from 2 submitters: Uncertain significance (2). Last evaluated 2024-01-04.

Conditions:
Inborn genetic diseases. Identifiers: MedGen C0950123, MeSH D030342.

gnomAD v4.1: 7 of 1,548,328 alleles (0.00045%); highest among the groups gnomAD compares: Non-Finnish European, 0.00052%; no homozygotes.

Submissions (2):

Athena Diagnostics
Classification: Uncertain significance. Last evaluated: 2024-01-04. Review status: criteria provided, single submitter. Criteria: Athena Diagnostics Criteria. Collection method: clinical testing. Allele origin: unknown.
Comment: Available data are insufficient to determine the clinical significance of the variant at this time. This variant has not been reported in large, multi-ethnic general populations. Computational tools predict that this variant is not damaging.

Ambry Genetics
Classification: Uncertain significance for Inborn genetic diseases. Last evaluated: 2023-01-31. Review status: criteria provided, single submitter. Criteria: Ambry Variant Classification Scheme 2023. Collection method: clinical testing. Allele origin: germline.

NM_004287.5(GOSR2):c.8C>T (p.Pro3Leu)

Genes: GOSR2 (golgi SNAP receptor complex member 2; plus strand), LRRC37A2 (leucine rich repeat containing 37 member A2). Cytogenetic location: 17q21.32.
Variant type: single nucleotide variant.
Coding change: c.8C>T on transcript NM_004287.5 (MANE Select); coding-DNA position 8, C replaced by T.
Protein change: p.Pro3Leu; replaces proline 3 with leucine.
Molecular consequence: missense variant. On other transcripts: 5 prime UTR variant (2), non-coding transcript variant (3).
Genome position (GRCh38, 1-based): chr17:46,923,200, C>T. VCF-style: chr17-46923200-C-T. GRCh37 (hg19) VCF-style: chr17-45000566-C-T.
Other names: c.8C>T, p.Pro3Leu (NM_001012511.3, NM_001321133.2, NM_001330252.2 and 4 more transcripts); c.-95C>T (NM_001321134.2); c.-458C>T (NM_001363851.2); c.8C>T (NM_004287.4); short protein forms P3L.
Identifiers: ClinVar variation 2480077 (VCV002480077.3), dbSNP rs1131691533, ClinGen allele CA400015684.